The following is an entry in ClinVar:

NM_022124.6(CDH23):c.8327A>T (p.Asn2776Ile)

Gene: CDH23 (cadherin related 23; plus strand). Cytogenetic location: 10q22.1.
Variant type: single nucleotide variant.
Coding change: c.8327A>T on transcript NM_022124.6 (MANE Select); coding-DNA position 8327, A replaced by T.
Protein change: p.Asn2776Ile; replaces asparagine 2776 with isoleucine.
Molecular consequence: missense variant.
Genome position (GRCh38, 1-based): chr10:71,807,534, A>T. VCF-style: chr10-71807534-A-T. GRCh37 (hg19) VCF-style: chr10-73567291-A-T.
Other names: c.1607A>T, p.Asn536Ile (NM_001171933.1, NM_001171934.1); short protein forms N2776I, N536I.
Identifiers: ClinVar variation 4223848 (VCV004223848.2).

ClinVar aggregate classification (germline): Uncertain significance. Review status: criteria provided, multiple submitters, no conflicts (2 of 4 stars). 2 submissions from 2 submitters: Uncertain significance (2). Last evaluated 2025-08-05.

Conditions:
Inborn genetic diseases. Identifiers: MedGen C0950123, MeSH D030342.
CDH23-related disorder. Also called: CDH23-related condition; CDH23-related disorders.

gnomAD v4.1: 3 of 1,613,888 alleles (0.00019%); highest among the groups gnomAD compares: Admixed American, 0.005%; no homozygotes.

Submissions (2):

Ambry Genetics
Classification: Uncertain significance for Inborn genetic diseases. Last evaluated: 2025-08-05. Review status: criteria provided, single submitter. Criteria: Ambry Variant Classification Scheme 2023. Collection method: clinical testing. Allele origin: germline.

PreventionGenetics, part of Exact Sciences
Classification: Uncertain significance for CDH23-related condition. Last evaluated: 2024-12-13. Review status: criteria provided, single submitter. Criteria: ACMG Guidelines, 2015. Collection method: clinical testing. Allele origin: germline.
Comment: The CDH23 c.8327A>T variant is predicted to result in the amino acid substitution p.Asn2776Ile. To our knowledge, this variant has not been reported in the literature. This variant is present in 0.0087% of alleles in individuals of Latino descent in gnomAD. At this time, the clinical significance of this variant is uncertain due to the absence of conclusive functional and genetic evidence.